The following is an entry in ClinVar:

NM_031407.7(HUWE1):c.1655C>A (p.Pro552Gln)

Gene: HUWE1 (HECT, UBA and WWE domain containing E3 ubiquitin protein ligase 1; minus strand). Cytogenetic location: Xp11.22.
Variant type: single nucleotide variant.
Coding change: c.1655C>A on transcript NM_031407.7 (MANE Select); coding-DNA position 1655, C replaced by A.
Protein change: p.Pro552Gln; replaces proline 552 with glutamine.
Molecular consequence: missense variant.
Genome position (GRCh38, 1-based): chrX:53,624,612, G>T on the plus strand (C>A on the coding strand, the complement: HUWE1 is on the minus strand). VCF-style: chrX-53624612-G-T. GRCh37 (hg19) VCF-style: chrX-53651573-G-T.
Other names: short protein forms P552Q.
Identifiers: ClinVar variation 3634935 (VCV003634935.2).

ClinVar aggregate classification (germline): Uncertain significance (1 of 4 stars; one submission).

Submission:

Labcorp Genetics (formerly Invitae), Labcorp
Classification: Uncertain significance. Last evaluated: 2024-11-14. Review status: criteria provided, single submitter. Criteria: Invitae Variant Classification Sherloc (09022015). Collection method: clinical testing. Allele origin: germline.
Comment: This sequence change replaces proline, which is neutral and non-polar, with glutamine, which is neutral and polar, at codon 552 of the HUWE1 protein (p.Pro552Gln). This variant is not present in population databases (gnomAD no frequency). This variant has not been reported in the literature in individuals affected with HUWE1-related conditions. Invitae Evidence Modeling of protein sequence and biophysical properties (such as structural, functional, and spatial information, amino acid conservation, physicochemical variation, residue mobility, and thermodynamic stability) indicates that this missense variant is expected to disrupt HUWE1 protein function with a positive predictive value of 95%. In summary, the available evidence is currently insufficient to determine the role of this variant in disease. Therefore, it has been classified as a Variant of Uncertain Significance.